The following is an entry in ClinVar:

NM_007294.4(BRCA1):c.1876G>T (p.Val626Leu)

Gene: BRCA1 (BRCA1 DNA repair associated; minus strand). Cytogenetic location: 17q21.31.
Variant type: single nucleotide variant.
Coding change: c.1876G>T on transcript NM_007294.4 (MANE Select); coding-DNA position 1876, G replaced by T.
Protein change: p.Val626Leu; replaces valine 626 with leucine.
Molecular consequence: missense variant. On other transcripts: intron variant (137).
Genome position (GRCh38, 1-based): chr17:43,093,655, C>A on the plus strand (G>T on the coding strand, the complement: BRCA1 is on the minus strand). VCF-style: chr17-43093655-C-A. GRCh37 (hg19) VCF-style: chr17-41245672-C-A.
Other names: c.1612G>T, p.Val538Leu (NM_001407926.1, NM_001407927.1, NM_001407928.1 and 9 more transcripts); c.1609G>T, p.Val537Leu (NM_001407930.1, NM_001407931.1, NM_001407932.1 and 2 more transcripts); c.1543G>T, p.Val515Leu (NM_001407946.1, NM_001407947.1, NM_001407948.1 and 6 more transcripts); c.1753G>T, p.Val585Leu (NM_001407937.1, NM_001407938.1, NM_001407939.1 and 19 more transcripts); c.1750G>T, p.Val584Leu (NM_001407941.1, NM_001407940.1, NM_001407649.1 and 11 more transcripts); c.1735G>T, p.Val579Leu (NM_001407942.1, NM_001407944.1, NM_001407945.1 and 29 more transcripts); c.1732G>T, p.Val578Leu (NM_001407943.1, NM_001407740.1, NM_001407741.1 and 20 more transcripts); c.1663G>T, p.Val555Leu (NM_001407571.1, NM_001407853.1, NM_001407894.1 and 9 more transcripts); and 40 more; short protein forms V579L, V626L, V499L, V556L, V585L, V458L, V498L, V514L.
Identifiers: ClinVar variation 1055889 (VCV001055889.20), dbSNP rs2053869047, ClinGen allele CA10598267.
Genomic context (GRCh38, chr17:43,093,655, plus strand): 5'-TAGAACAACTATCAATTTGCAATTCAGTACAATTAGGTGGGCTTAGATTTCTACTGACTA[C>A]TAGTTCAAGCGCATGAATATGCCTGGTAGAAGACTTCCTCCTCAGCCTATTCTTTTTAGG-3'
Protein context (NP_009225.1, residues 616-636): STRHIHALEL[Val626Leu]VSRNLSPPNC

ClinVar aggregate classification (germline): Conflicting classifications of pathogenicity. Review status: criteria provided, conflicting classifications (1 of 4 stars). 2 submissions from 2 submitters: Uncertain significance (1); Likely benign (1). Last evaluated 2023-03-23.

Conditions:
Hereditary cancer-predisposing syndrome. Also called: Hereditary Cancer Syndrome; Tumor predisposition; Hereditary neoplastic syndrome; Neoplastic Syndromes, Hereditary. Identifiers: Orphanet 140162, MedGen C0027672, MeSH D009386, MONDO:0015356.
Hereditary breast ovarian cancer syndrome. Also called: Hereditary breast and/or ovarian cancer syndrome; Hereditary breast and ovarian cancer syndrome; Hereditary breast and ovarian cancer syndrome (HBOC); Breast and ovarian cancer; Hereditary breast and ovarian cancer; BRCA1- and BRCA2-Associated Hereditary Breast and Ovarian Cancer. Identifiers: Orphanet 145, MedGen C0677776, MeSH D061325, MONDO:0003582. Disease mechanism: loss of function.

Submissions (2):

University of Washington Department of Laboratory Medicine, University of Washington
Classification: Likely benign for Hereditary cancer-predisposing syndrome. Last evaluated: 2023-03-23. Review status: criteria provided, single submitter. Criteria: Dines et al. (Genet Med. 2020). Collection method: curation. Allele origin: germline.
Comment: Missense variant in a coldspot region where missense variants are very unlikely to be pathogenic (PMID:31911673).

BRCA1 coldspot (exon 11 using historical exon numbering). Reclassification based on statistical prior probability

Labcorp Genetics (formerly Invitae), Labcorp
Classification: Uncertain significance for Hereditary breast ovarian cancer syndrome. Last evaluated: 2020-02-20. Review status: criteria provided, single submitter. Criteria: Invitae Variant Classification Sherloc (09022015). Collection method: clinical testing. Allele origin: germline.
Comment: This sequence change replaces valine with leucine at codon 626 of the BRCA1 protein (p.Val626Leu). The valine residue is moderately conserved and there is a small physicochemical difference between valine and leucine. This variant is not present in population databases (ExAC no frequency). This variant has not been reported in the literature in individuals with BRCA1-related conditions. Algorithms developed to predict the effect of missense changes on protein structure and function are either unavailable or do not agree on the potential impact of this missense change (SIFT: "Tolerated"; PolyPhen-2: "Possibly Damaging"; Align-GVGD: "Class C0"). In summary, the available evidence is currently insufficient to determine the role of this variant in disease. Therefore, it has been classified as a Variant of Uncertain Significance.